The following is an entry in ClinVar:

NM_000548.5(TSC2):c.5160+1G>T

Gene: TSC2 (TSC complex subunit 2; plus strand). Cytogenetic location: 16p13.3.
Variant type: single nucleotide variant.
Coding change: c.5160+1G>T on transcript NM_000548.5 (MANE Select); the canonical splice donor site of the intron after coding-DNA position 5160, G replaced by T.
Molecular consequence: splice donor variant.
Genome position (GRCh38, 1-based): chr16:2,088,140, G>T. VCF-style: chr16-2088140-G-T. GRCh37 (hg19) VCF-style: chr16-2138141-G-T.
Other names: c.5049+1G>T (NM_001406668.1); c.4560+1G>T (NM_001406680.1); c.4491+1G>T (NM_001406683.1, NM_001406682.1); c.4359+1G>T (NM_001406687.1, NM_001406688.1); c.3747+1G>T (NM_001406689.1); c.3687+1G>T (NM_001406690.1); c.3618+1G>T (NM_001406692.1, NM_001406694.1, NM_001406693.1); c.3684+1G>T (NM_001406691.1); and 26 more.
Identifiers: ClinVar variation 49427 (VCV000049427.4), dbSNP rs45517399, ClinGen allele CA021925.

ClinVar aggregate classification (germline): Pathogenic/Likely pathogenic. Review status: criteria provided, multiple submitters, no conflicts (2 of 4 stars). 3 submissions from 3 submitters: Pathogenic (1); Likely pathogenic (1). 1 of the submissions does not count toward it. Last evaluated 2025-05-14.

Conditions:
Hereditary cancer-predisposing syndrome. Also called: Neoplastic Syndromes, Hereditary; Tumor predisposition; Hereditary Cancer Syndrome; Hereditary neoplastic syndrome. Identifiers: Orphanet 140162, MedGen C0027672, MeSH D009386, MONDO:0015356.
Tuberous sclerosis syndrome (TSC). Also called: Tuberous Sclerosis Complex; Tuberous sclerosis. Identifiers: Orphanet 805, MedGen C0041341, MONDO:0001734.

Submissions (3):

Ambry Genetics
Classification: Likely pathogenic for Hereditary cancer-predisposing syndrome. Last evaluated: 2025-05-14. Review status: criteria provided, single submitter. Criteria: Ambry Variant Classification Scheme 2023. Collection method: clinical testing. Allele origin: germline.
Comment: The c.5160+1G>T intronic variant results from a G to T substitution one nucleotide after coding exon 39 of the TSC2 gene. This variant was reported in individuals with features consistent with tuberous sclerosis complex (Yang G et al. Clin Genet, 2017 May;91:764-768; Ambry internal data). This variant is considered to be rare based on population cohorts in the Genome Aggregation Database (gnomAD). This nucleotide position is highly conserved in available vertebrate species. In silico splice site analysis predicts that this alteration will weaken the native splice donor site and may result in the creation or strengthening of a novel splice donor site. RNA studies have demonstrated that this alteration results in abnormal splicing in the set of samples tested (Ambry internal data). In addition to the clinical data presented in the literature, alterations that disrupt the canonical splice site are expected to cause aberrant splicing, resulting in an abnormal protein or a transcript that is subject to nonsense-mediated mRNA decay. As such, this alteration is classified as likely pathogenic.

GeneDx
Classification: Pathogenic. Last evaluated: 2016-12-29. Review status: criteria provided, single submitter. Criteria: GeneDx Variant Classification (06012015). Collection method: clinical testing. Allele origin: germline. Affected: yes.
Comment: The c.5160+1 G>T splice site variant in the TSC2 gene destroys the canonical splice donor site for intron 40. It is predicted to cause abnormal gene splicing, either leading to an abnormal message that is subject to nonsense-mediated mRNA decay, or to an abnormal protein product if the message is used for protein translation. It has been reported as a pathogenic variant in the TSC2 LOVD database (TSC2 LOVD). Additionally, many other splice variants have been reported in the Human Gene Mutation Database in association with tuberous sclerosis (Stenson et al., 2014). The c.5160+1 G>T variant is not observed in large population cohorts (Lek et al., 2016; 1000 Genomes Consortium et al., 2015; Exome Variant Server). Therefore, c.5160+1 G>T is interpreted to be a pathogenic variant.

Tuberous sclerosis database (TSC2)
No classification provided. Condition: TSC. Review status: no classification provided. Criteria: Tuberous Sclerosis Database Assertion Criteria 2015. Collection method: curation. Allele origin: germline. Affected: yes. Not counted in ClinVar's aggregate classification.

Literature cited by the submitters: PubMed 27859028 (cited by Ambry Genetics).